The following is an entry in ClinVar:

NM_002471.4(MYH6):c.493A>T (p.Met165Leu)

Genes: MYH6 (myosin heavy chain 6; minus strand), LOC114827851 (VISTA enhancer hs2155; plus strand). Cytogenetic location: 14q11.2.
Variant type: single nucleotide variant.
Coding change: c.493A>T on transcript NM_002471.4 (MANE Select); coding-DNA position 493, A replaced by T.
Protein change: p.Met165Leu; replaces methionine 165 with leucine.
Molecular consequence: missense variant.
Genome position (GRCh38, 1-based): chr14:23,405,232, T>A on the plus strand (A>T on the coding strand, the complement: MYH6 is on the minus strand). VCF-style: chr14-23405232-T-A. GRCh37 (hg19) VCF-style: chr14-23874441-T-A.
Other names: short protein forms M165L.
Identifiers: ClinVar variation 1032062 (VCV001032062.14), dbSNP rs972242173, ClinGen allele CA257798621.
Genomic context (GRCh38, chr14:23,405,232, plus strand): 5'-CTGGGTGGGTGTCTGGGAGGAGGAGCAGAGACCAGGGGCCACCAGGCTCACCTGTCAGCA[T>A]GTACTGATAGGCGTTGTCGGAGATGGAGAAGATGTGGGGCGGGGCCTCACTCCTCTTCTT-3'
Protein context (NP_002462.2, residues 155-175): FSISDNAYQY[Met165Leu]LTDRENQSIL

ClinVar aggregate classification (germline): Uncertain significance. Review status: criteria provided, multiple submitters, no conflicts (2 of 4 stars). 6 submissions from 6 submitters: Uncertain significance (6). Last evaluated 2025-12-19.

Conditions:
Cardiovascular phenotype. Identifiers: MedGen CN230736.
Hypertrophic cardiomyopathy 1 (CMH1). Also called: MYH7-Related Familial Hypertrophic Cardiomyopathy; Familial hypertrophic cardiomyopathy 1. Identifiers: MedGen C3495498, MONDO:0008647, OMIM 192600.
Hypertrophic cardiomyopathy 14. Identifiers: MedGen C2750467, MONDO:0013197, OMIM 613251.
Sick sinus syndrome 3, susceptibility to (SSS3). Identifiers: Orphanet 166282, MedGen C3279791, MONDO:0013568, OMIM 614090.
Dilated cardiomyopathy 1EE (CMD1EE). Identifiers: Orphanet 154, MedGen C2750466, MONDO:0013198, OMIM 613252.
Atrial septal defect 3 (ASD3). Identifiers: Orphanet 1478, MedGen C3279790, MONDO:0013567, OMIM 614089.

Allele frequency attached by ClinVar (database versions not stated): gnomAD 0.00001 and 0.00002; gnomAD exomes 0.00001; TOPMed 0.00001.

Submissions (6):

Labcorp Genetics (formerly Invitae), Labcorp
Classification: Uncertain significance for Hypertrophic cardiomyopathy 14. Last evaluated: 2025-12-19. Review status: criteria provided, single submitter. Criteria: Invitae Variant Classification Sherloc (09022015). Collection method: clinical testing. Allele origin: germline.
Comment: This sequence change replaces methionine, which is neutral and non-polar, with leucine, which is neutral and non-polar, at codon 165 of the MYH6 protein (p.Met165Leu). This variant is present in population databases (no rsID available, gnomAD 0.006%). This variant has not been reported in the literature in individuals affected with MYH6-related conditions. ClinVar contains an entry for this variant (Variation ID: 1032062). Invitae Evidence Modeling of protein sequence and biophysical properties (such as structural, functional, and spatial information, amino acid conservation, physicochemical variation, residue mobility, and thermodynamic stability) has been performed for this missense variant. However, the output from this modeling did not meet the statistical confidence thresholds required to predict the impact of this variant on MYH6 protein function. In summary, the available evidence is currently insufficient to determine the role of this variant in disease. Therefore, it has been classified as a Variant of Uncertain Significance.

Ambry Genetics
Classification: Uncertain significance for Cardiovascular phenotype. Last evaluated: 2024-11-13. Review status: criteria provided, single submitter. Criteria: Ambry Variant Classification Scheme 2023. Collection method: clinical testing. Allele origin: germline.
Comment: The p.M165L variant (also known as c.493A>T), located in coding exon 3 of the MYH6 gene, results from an A to T substitution at nucleotide position 493. The methionine at codon 165 is replaced by leucine, an amino acid with highly similar properties. This amino acid position is highly conserved in available vertebrate species. In addition, the in silico prediction for this alteration is inconclusive. Based on the available evidence, the clinical significance of this variant remains unclear.

Clinical Genetics Laboratory, Skane University Hospital Lund
Classification: Uncertain significance. Last evaluated: 2023-08-22. Review status: criteria provided, single submitter. Criteria: ACMG Guidelines, 2015. Collection method: clinical testing. Allele origin: germline. Affected: yes.

AiLife Diagnostics
Classification: Uncertain significance. Last evaluated: 2021-10-12. Review status: criteria provided, single submitter. Criteria: ACMG Guidelines, 2015. Collection method: clinical testing. Allele origin: germline. Affected: yes. Observed: 1 variant allele.

Fulgent Genetics
Classification: Uncertain significance for Hypertrophic cardiomyopathy 1; Hypertrophic cardiomyopathy 14; Dilated cardiomyopathy 1EE; Atrial septal defect 3; Sick sinus syndrome 3, susceptibility to. Last evaluated: 2021-07-20. Review status: criteria provided, single submitter. Criteria: ACMG Guidelines, 2015. Collection method: clinical testing. Allele origin: unknown.

Baylor Genetics
Classification: Uncertain significance for Dilated cardiomyopathy 1EE. Last evaluated: 2018-11-03. Review status: criteria provided, single submitter. Criteria: ACMG Guidelines, 2015. Collection method: clinical testing. Allele origin: paternal. Affected: yes.
Comment: This variant was determined to be of uncertain significance according to ACMG Guidelines, 2015 [PMID:25741868].